The following is an entry in ClinVar:

NC_000012.12:g.(?_32850756)_(32850983_?)dup

Gene: PKP2 (plakophilin 2; minus strand). Cytogenetic location: 12p11.21.
Variant type: Duplication.
Identifiers: ClinVar variation 833075 (VCV000833075.1).

ClinVar aggregate classification (germline): Likely pathogenic (1 of 4 stars; one submission).

Conditions:
Arrhythmogenic right ventricular dysplasia 9 (ARVD9). Also called: ARRHYTHMOGENIC RIGHT VENTRICULAR DYSPLASIA, FAMILIAL, 9; Arrhythmogenic Right Ventricular Dysplasia/Cardiomyopathy 9. Identifiers: MedGen C1836906, MONDO:0012180, OMIM 609040.

Submission:

Labcorp Genetics (formerly Invitae), Labcorp
Classification: Likely pathogenic for Arrhythmogenic right ventricular cardiomyopathy, type 9. Last evaluated: 2019-10-07. Review status: criteria provided, single submitter. Criteria: Invitae Variant Classification Sherloc (09022015). Collection method: clinical testing. Allele origin: germline.
Comment: This variant results in a copy number gain of the genomic region encompassing exon 5 of the PKP2 gene. While the exact position of this variant cannot be determined from this data, sub-genic copy number gains are generally in tandem (PMID: 25640679) and may result in an absent or disrupted protein product. This variant has not been reported in the literature in individuals with PKP2-related conditions. Loss-of-function variants in PKP2 are known to be pathogenic (PMID: 15489853, 23911551). In summary, the currently available evidence indicates that the variant is pathogenic, but additional data are needed to prove that conclusively. Therefore, this variant has been classified as Likely Pathogenic.